The following is an entry in ClinVar:

ClinVar aggregate classification (germline): Likely benign (1 of 4 stars; one submission).

gnomAD v4.1: 57 of 1,601,492 alleles (0.0036%); highest among the groups gnomAD compares: East Asian, 0.0067%; no homozygotes.

Submission:

Mayo Clinic Laboratories, Mayo Clinic
Classification: Likely benign. Last evaluated: 2025-07-18. Review status: criteria provided, single submitter. Criteria: ACMG Guidelines, 2015. Collection method: clinical testing. Allele origin: germline. Observed: 1 variant allele.
Comment: BP4, BP7

NM_000081.4(LYST):c.11267+6A>G

Gene: LYST (lysosomal trafficking regulator; minus strand). Cytogenetic location: 1q42.3.
Variant type: single nucleotide variant.
Coding change: c.11267+6A>G on transcript NM_000081.4 (MANE Select); 6 bases into the intron after coding-DNA position 11267, A replaced by G.
Molecular consequence: intron variant.
Genome position (GRCh38, 1-based): chr1:235,663,978, T>C on the plus strand (A>G on the coding strand, the complement: LYST is on the minus strand). VCF-style: chr1-235663978-T-C. GRCh37 (hg19) VCF-style: chr1-235827278-T-C.
Other names: p.?; c.11267+6A>G (NM_001301365.1).
Identifiers: ClinVar variation 4684273 (VCV004684273.1).